The following is an entry in ClinVar:

NM_020822.3(KCNT1):c.2896G>A (p.Ala966Thr)

Gene: KCNT1 (potassium sodium-activated channel subfamily T member 1; plus strand). Cytogenetic location: 9q34.3.
Variant type: single nucleotide variant.
Coding change: c.2896G>A on transcript NM_020822.3 (MANE Select); coding-DNA position 2896, G replaced by A.
Protein change: p.Ala966Thr; replaces alanine 966 with threonine.
Molecular consequence: missense variant.
Genome position (GRCh38, 1-based): chr9:135,784,078, G>A. VCF-style: chr9-135784078-G-A. GRCh37 (hg19) VCF-style: chr9-138675924-G-A.
Other names: c.2761G>A, p.Ala921Thr (NM_001272003.2); short protein forms A966T, A921T.
Identifiers: ClinVar variation 575241 (VCV000575241.22), dbSNP rs1424788778, ClinGen allele CA375517478.

ClinVar aggregate classification (germline): Pathogenic/Likely pathogenic. Review status: criteria provided, multiple submitters, no conflicts (2 of 4 stars). 8 submissions from 7 submitters: Pathogenic (5); Likely pathogenic (2). 1 of the submissions does not count toward it. Last evaluated 2026-01-17.

Conditions:
Malignant migrating partial seizures of infancy. Identifiers: Orphanet 293181, MedGen CN262433, MONDO:0017385.
Developmental and epileptic encephalopathy, 14 (DEE14). Also called: Early infantile epileptic encephalopathy 14. Identifiers: Orphanet 293181, MedGen C3554195, MONDO:0013989, OMIM 614959.
Autosomal dominant nocturnal frontal lobe epilepsy 5. Also called: CILIARY DYSKINESIA, PRIMARY, 28, WITHOUT SITUS INVERSUS; CILIARY DYSKINESIA, PRIMARY, 28, WITH SITUS INVERSUS; Epilepsy, nocturnal frontal lobe, 5; KCNT1-Related Epilepsy. Identifiers: Orphanet 98784, MedGen C3554306, MONDO:0014002, OMIM 615005.
Autosomal dominant nocturnal frontal lobe epilepsy 1. Also called: EPILEPSY, NOCTURNAL FRONTAL LOBE, TYPE 1; CHRNA4-Related Nocturnal Frontal Lobe Epilepsy, Autosomal Dominant. Identifiers: Orphanet 98784, MedGen C1838049, MONDO:0010899, OMIM 600513.

Allele frequency attached by ClinVar (database versions not stated): gnomAD exomes below 0.00001.
gnomAD v4.1: 1 of 1,605,918 alleles (0.000062%); highest among the groups gnomAD compares: African/African-American, 0.0013%; no homozygotes.

Submissions (8):

Labcorp Genetics (formerly Invitae), Labcorp
Classification: Pathogenic for Autosomal dominant nocturnal frontal lobe epilepsy 5; Developmental and epileptic encephalopathy, 14. Last evaluated: 2026-01-17. Review status: criteria provided, single submitter. Criteria: Invitae Variant Classification Sherloc (09022015). Collection method: clinical testing. Allele origin: germline.
Comment: This sequence change replaces alanine, which is neutral and non-polar, with threonine, which is neutral and polar, at codon 966 of the KCNT1 protein (p.Ala966Thr). This variant is not present in population databases (gnomAD no frequency). This missense change has been observed in individuals with KCNT1-related conditions (PMID: 24463883, 30903923, 37152446; internal data). It has also been observed to segregate with disease in related individuals. ClinVar contains an entry for this variant (Variation ID: 575241). Invitae Evidence Modeling of protein sequence and biophysical properties (such as structural, functional, and spatial information, amino acid conservation, physicochemical variation, residue mobility, and thermodynamic stability) indicates that this missense variant is expected to disrupt KCNT1 protein function with a positive predictive value of 80%. Experimental studies have shown that this missense change affects KCNT1 function (PMID: 24463883, 25482562, 37177976). For these reasons, this variant has been classified as Pathogenic.

Athena Diagnostics
Classification: Likely pathogenic. Last evaluated: 2025-09-30. Review status: criteria provided, single submitter. Criteria: Athena Diagnostics Criteria. Collection method: clinical testing. Allele origin: unknown.
Comment: This variant has not been reported in large, multi-ethnic general populations. This variant has been identified in multiple unrelated individuals with nocturnal frontal lobe epilepsy, including individuals where the variant appears to occur de novo. Assessment of experimental evidence suggests this variant results in abnormal protein function. (PMID: 24463883, 37177976)

Institute of Human Genetics, University of Leipzig Medical Center
Classification: Likely pathogenic for Autosomal dominant nocturnal frontal lobe epilepsy 1. Last evaluated: 2025-03-04. Review status: criteria provided, single submitter. Criteria: ACMG Guidelines, 2015. Collection method: clinical testing. Allele origin: unknown. Inheritance: Autosomal dominant inheritance. Affected: yes.
Comment: Criteria applied: PS2_MOD,PS3_MOD,PS4_MOD,PM2_SUP,PP1,PP3

GeneDx
Classification: Pathogenic. Last evaluated: 2023-09-14. Review status: criteria provided, single submitter. Criteria: GeneDx Variant Classification Process June 2021. Collection method: clinical testing. Allele origin: germline. Affected: yes.
Comment: Reported previously in association with Ohtahara syndrome in an affected individual who was homozygous for the A966T variant due to paternal isodisomy (Martin et al., 2014). Functional studies showed a significant increase in channel activity compared to wild type, which is thought to account for the epileptic activity seen in this individual with Ohtahara syndrome (Martin et al., 2014); Functional studies in rat showed increased currents, similar to other pathogenic KCNT1 variants (Kim et al., 2014); Not observed at significant frequency in large population cohorts (gnomAD); In silico analysis supports that this missense variant has a deleterious effect on protein structure/function; This variant is associated with the following publications: (PMID: 25482562, 28488083, 24463883, 30903923, 27064559, 36499459, 34911427, 25985138, 34114611)

Cytogénomique, Hospices Civils de Lyon
Classification: Pathogenic for Autosomal dominant nocturnal frontal lobe epilepsy 5. Last evaluated: 2017-08-04. Review status: criteria provided, single submitter. Criteria: ACMG Guidelines, 2015. Collection method: clinical testing. Allele origin: de novo. Inheritance: Autosomal dominant inheritance. Affected: yes.

Cytogénomique, Hospices Civils de Lyon
Classification: Pathogenic for Malignant migrating partial seizures of infancy. Review status: criteria provided, single submitter. Criteria: ACMG Guidelines, 2015. Collection method: clinical testing. Allele origin: de novo. Inheritance: Autosomal dominant inheritance. Affected: yes.

Solve-RD Consortium
Classification: Pathogenic for Autosomal dominant nocturnal frontal lobe epilepsy 5. Review status: criteria provided, single submitter. Criteria: ACMG Guidelines, 2015. Collection method: provider interpretation. Allele origin: germline. Inheritance: Autosomal dominant inheritance. Affected: yes. Study: Solve-RD DIFT-EpiCARE reanalysis.
Comment: PS3, PS2, PM2, PM5, PM1

Variant identified during reanalysis of unsolved cases by the Solve-RD project. The Solve-RD project has received funding from the European Union’s Horizon 2020 research and innovation programme under grant agreement No 779257.

Center for Genomics, Ann and Robert H. Lurie Children's Hospital of Chicago
Classification: Uncertain significance for Developmental and epileptic encephalopathy, 14; Autosomal dominant nocturnal frontal lobe epilepsy 5. Review status: flagged submission. Criteria: ACMG Guidelines, 2015. Collection method: clinical testing. Allele origin: germline. Not counted in ClinVar's aggregate classification.
Comment: KCNT1 NM_020822.2 exon 25 p.Ala966Thr (c.2896G>A): This variant has been reported in the literature in 1 individual with Ohtahara syndrome in the homozygous state, likely due to paternal uniparental disomy (UPD) (Martin 2014 PMID:24463883). This variant is not present in large control databases. This variant is present in ClinVar (Variation ID:575241). Evolutionary conservation suggests that this variant may impact the protein; computational predictive tools suggest that this variant may not impact the protein. Functional studies in Xenopus laevis oocytes have suggested that this variant may impact the protein and increase channel activity; however, these studies may not accurately represent human in vivo biological function (Kim 2014 PMID: 25482562, Martin 2014 PMID:24463883). In summary, data on this variant is insufficient for disease classification. Therefore, the clinical significance of this variant is uncertain
ClinVar note: Reason: Older claim that does not account for recent evidence

Literature cited by the submitters: PubMed 24463883 (cited by 3 submitters); PubMed 30903923 (cited by Labcorp Genetics (formerly Invitae), Labcorp and Athena Diagnostics); PubMed 37152446 (cited by Labcorp Genetics (formerly Invitae), Labcorp and Athena Diagnostics); PubMed 25482562 (cited by Labcorp Genetics (formerly Invitae), Labcorp and Athena Diagnostics); PubMed 37177976 (cited by Labcorp Genetics (formerly Invitae), Labcorp and Athena Diagnostics); PubMed 34114611 (cited by Athena Diagnostics); PubMed 27064559 (cited by Athena Diagnostics); PubMed 25985138 (cited by Athena Diagnostics).